The following is an entry in ClinVar:

ClinVar aggregate classification (germline): Likely benign. Review status: reviewed by expert panel (3 of 4 stars). 4 submissions from 4 submitters: Likely benign (1). 3 of the submissions do not count toward it. Last evaluated 2025-01-08.

Conditions:
Autosomal recessive limb-girdle muscular dystrophy. Identifiers: Orphanet 102015, MedGen C2931907, MONDO:0015152.
Autosomal recessive limb-girdle muscular dystrophy type 2C (LGMDR5). Also called: MUSCULAR DYSTROPHY, DUCHENNE-LIKE; MUSCULAR DYSTROPHY, LIMB-GIRDLE, AUTOSOMAL RECESSIVE 5. Identifiers: Orphanet 353, MedGen C0410173, MONDO:0009677, OMIM 253700. Disease mechanism: Affects gamma-sarcoglycan and also disrupts the integrity of the entire sarcoglycan complex..

Allele frequency attached by ClinVar (database versions not stated): gnomAD exomes below 0.00001 and 0.00002; ExAC 0.00004; gnomAD 0.00004 and 0.00005; ESP Exome Variant Server 0.00008; TOPMed 0.00008.

Submissions (4):

ClinGen Limb Girdle Muscular Dystrophy Variant Curation Expert Panel, ClinGen
Classification: Likely benign for Autosomal recessive limb-girdle muscular dystrophy. Last evaluated: 2025-01-08. Review status: reviewed by expert panel. Criteria: ClinGen LGMD VCEP ACMG Specifications SGCG V1.0.0. Collection method: curation. Allele origin: germline. Inheritance: Autosomal recessive inheritance.
Comment: The NM_000231.3: c.1-3C>T variant is an intronic SGCG variant that is located in a splice region. The computational splicing predictor SpliceAI gives a score of 0.02 for acceptor loss, suggesting that the variant has no impact on splicing since it does not exceed the designated LGMD VCEP threshold (≤0.05) (BP4). The highest minor allele frequency of this variant is 0.0003793 (6/15820 exome chromosomes) in the African/African American population in gnomAD v2.1.1, which is greater than the ClinGen LGMD threshold (≤0.00009) for PM2_Supporting, and therefore does not meet this criterion (PM2_Supporting, BA1, BS1 criteria not met). In summary, this variant meets the criteria to be classified as Likely Benign for autosomal recessive limb girdle muscular dystrophy based on the ACMG/AMP criteria applied, as specified by the ClinGen Limb-Girdle Muscular Dystrophy VCEP (LGMD VCEP specifications version 1.0.0; 01/08/2025): BP4.

Fulgent Genetics
Classification: Uncertain significance for Autosomal recessive limb-girdle muscular dystrophy type 2C. Last evaluated: 2021-11-10. Review status: criteria provided, single submitter. Criteria: ACMG Guidelines, 2015. Collection method: clinical testing. Allele origin: unknown. Not counted in ClinVar's aggregate classification.

Athena Diagnostics
Classification: Uncertain significance. Last evaluated: 2019-06-18. Review status: criteria provided, single submitter. Criteria: Athena Diagnostics Criteria. Collection method: clinical testing. Allele origin: germline. Not counted in ClinVar's aggregate classification.

Natera, Inc.
Classification: Uncertain significance for Limb-girdle muscular dystrophy type 2C. Last evaluated: 2020-09-16. Review status: no assertion criteria provided. Collection method: clinical testing. Allele origin: germline. Not counted in ClinVar's aggregate classification.

NM_000231.3(SGCG):c.1-3C>T

Gene: SGCG (sarcoglycan gamma; plus strand). Cytogenetic location: 13q12.12.
Variant type: single nucleotide variant.
Coding change: c.1-3C>T on transcript NM_000231.3 (MANE Select); 3 bases into the intron before coding-DNA position 1, C replaced by T.
Molecular consequence: intron variant. On other transcripts: nonsense (1).
Genome position (GRCh38, 1-based): chr13:23,203,692, C>T. VCF-style: chr13-23203692-C-T. GRCh37 (hg19) VCF-style: chr13-23777831-C-T.
Other names: c.52C>T, p.Gln18Ter (NM_001378244.1); c.1-3C>T (NM_001378245.1, NM_001378246.1); short protein forms Q18*.
Identifiers: ClinVar variation 805445 (VCV000805445.4), dbSNP rs373335254, ClinGen allele CA6909546.